The following is an entry in ClinVar:

GRCh38/hg38 16q24.2-24.3(chr16:87853401-90081985)x3

Genes: MC1R (melanocortin 1 receptor; plus strand), MIR11401 (microRNA 11401; plus strand), MIR4722 (microRNA 4722; minus strand), MIR5189 (microRNA 5189; plus strand), MVD (mevalonate diphosphate decarboxylase; minus strand) and 264 more. Cytogenetic location: 16q24.2-24.3.
Variant type: copy number gain.
Change: copy number 3 (three copies instead of two) of chr16:87,853,401-90,081,985 (2.23 Mb, GRCh38 coordinates, 1-based), cytogenetic band 16q24.2-24.3.
Identifiers: ClinVar variation 58651 (VCV000058651.1).

ClinVar aggregate classification (germline): Pathogenic (1 of 4 stars; one submission).

Submission:

ISCA site 17
Classification: Pathogenic. Last evaluated: 2011-08-12. Review status: criteria provided, single submitter. Criteria: Kaminsky et al. (Genet Med. 2011). Collection method: clinical testing. Allele origin: unknown. Affected: yes. Observed: 1 variant allele.
Comment: Copy number variation identified through the course of routine clinical cytogenomic testing in postnatal populations. Clinical assertions have been curated as described in Kaminsky et al. 2011.